The following is an entry in ClinVar:

NM_006662.3(SRCAP):c.9516dup (p.Glu3173Ter)

Gene: SRCAP (Snf2 related CREBBP activator protein; plus strand). Cytogenetic location: 16p11.2.
Variant type: Duplication.
Coding change: c.9516dup on transcript NM_006662.3 (MANE Select); coding-DNA position 9516, one base duplicated (T; older notation c.9516dupT).
Protein change: p.Glu3173Ter; replaces glutamic acid 3173 with a stop codon.
Molecular consequence: nonsense.
Genome position (GRCh38, 1-based): chr16:30,739,556, T duplicated. VCF-style (leftmost placement, unchanged base first): chr16-30739555-C-CT. GRCh37 (hg19) VCF-style: chr16-30750876-C-CT.
Other names: c.9516dupT (NM_006662.2); short protein forms E3173*.
Identifiers: ClinVar variation 504440 (VCV000504440.2), dbSNP rs1555466178, ClinGen allele CA658798598.

ClinVar aggregate classification (germline): Likely pathogenic (1 of 4 stars; one submission).

Submission:

GeneDx
Classification: Likely pathogenic. Last evaluated: 2018-03-07. Review status: criteria provided, single submitter. Criteria: GeneDx Variant Classification (06012015). Collection method: clinical testing. Allele origin: germline. Affected: yes.
Comment: The c.9516dupT variant in the SRCAP gene has not been reported previously as a pathogenic variant nor as a benign variant, to our knowledge. This variant causes a frameshift starting with codon Glutamic acid 3173, and changes this amino acid to a premature Stop codon, denoted p.Glu3173Ter. The c.9516dupT variant is predicted to cause loss of normal protein function through protein truncation. This variant is not observed in large population cohorts (Lek et al., 2016). We interpret c.9516dupT as a likely pathogenic variant.